The following is an entry in ClinVar:

NM_004415.4(DSP):c.821del (p.Asn274fs)

Gene: DSP (desmoplakin; plus strand). Cytogenetic location: 6p24.3.
Variant type: Deletion.
Coding change: c.821del on transcript NM_004415.4 (MANE Select); coding-DNA position 821, one base deleted (A; older notation c.821delA).
Protein change: p.Asn274fs; shifts the reading frame from asparagine 274.
Molecular consequence: frameshift variant.
Genome position (GRCh38, 1-based): chr6:7,565,402, A deleted; the last of 2 consecutive A bases (chr6:7,565,401-7,565,402); deleting either gives the same sequence. VCF-style (leftmost placement, unchanged base first): chr6-7565400-GA-G. GRCh37 (hg19) VCF-style: chr6-7565633-GA-G.
Other names: c.821del, p.Asn274fs (NM_001008844.3, NM_001319034.2, NM_001406591.1); short protein forms N274fs.
Identifiers: ClinVar variation 4614045 (VCV004614045.1).
Genomic context (GRCh38, chr6:7,565,400, plus strand): 5'-CTTTGAACCTCCTGTGCAGAAAGCGTCCTTTGAGAGGATGGATCACCTGCGACAGCTGCA[GA>G]ACATCATTCAGGCCACGTCCAGGGAGATCATGTGGATCAATGACTGCGAGGAGGAGGAGC-3'

ClinVar aggregate classification (germline): Pathogenic (1 of 4 stars; one submission).

Conditions:
Cardiovascular phenotype. Identifiers: MedGen CN230736.

Submission:

Ambry Genetics
Classification: Pathogenic for Cardiovascular phenotype. Last evaluated: 2025-12-01. Review status: criteria provided, single submitter. Criteria: Ambry Variant Classification Scheme 2023. Collection method: clinical testing. Allele origin: germline.
Comment: The c.821delA variant, located in coding exon 7 of the DSP gene, results from a deletion of one nucleotide at nucleotide position 821, causing a translational frameshift with a predicted alternate stop codon (p.N274Tfs*43). This variant was reported in individual(s) with features consistent with dilated cardiomyopathy (Ambry internal data). This variant is considered to be rare based on population cohorts in the Genome Aggregation Database (gnomAD). This alteration is expected to result in loss of function by premature protein truncation or nonsense-mediated mRNA decay. As such, this alteration is interpreted as a disease-causing mutation.